The following is an entry in ClinVar:

NM_017534.6(MYH2):c.508C>T (p.Arg170Ter)

Genes: MYH2 (myosin heavy chain 2; minus strand), MYHAS (myosin heavy chain gene cluster antisense RNA; plus strand), LOC126862501 (CDK7 strongly-dependent group 2 enhancer GRCh37_chr17:10446256-10447455; plus strand). Cytogenetic location: 17p13.1.
Variant type: single nucleotide variant.
Coding change: c.508C>T on transcript NM_017534.6 (MANE Select); coding-DNA position 508, C replaced by T.
Protein change: p.Arg170Ter; replaces arginine 170 with a stop codon.
Molecular consequence: nonsense.
Genome position (GRCh38, 1-based): chr17:10,544,125, G>A on the plus strand (C>T on the coding strand, the complement: MYH2 is on the minus strand). VCF-style: chr17-10544125-G-A. GRCh37 (hg19) VCF-style: chr17-10447442-G-A.
Other names: c.508C>T (NM_017534.5); c.508C>T, p.Arg170Ter (NM_001100112.2); short protein forms R170*.
Identifiers: ClinVar variation 1457602 (VCV001457602.11), dbSNP rs750232956, ClinGen allele CA8391610.

ClinVar aggregate classification (germline): Pathogenic/Likely pathogenic. Review status: criteria provided, multiple submitters, no conflicts (2 of 4 stars). 4 submissions from 4 submitters: Pathogenic (1); Likely pathogenic (3). Last evaluated 2026-09-30.

Conditions:
Myopathy, proximal, and ophthalmoplegia (CMYO6). Also called: MYOPATHY WITH CONGENITAL JOINT CONTRACTURES, OPHTHALMOPLEGIA, AND RIMMED VACUOLES; CONGENITAL MYOPATHY 6 WITH OPHTHALMOPLEGIA; INCLUSION BODY MYOPATHY 3, AUTOSOMAL DOMINANT. Identifiers: Orphanet 363677, Orphanet 79091, MedGen C1854106, MONDO:0011577, OMIM 605637.
MYH2-related disorder. Also called: MYH2-related condition.

Allele frequency attached by ClinVar (database versions not stated): ExAC 0.00003; gnomAD exomes 0.00003.
gnomAD v4.1: 17 of 1,613,316 alleles (0.0011%); highest among the groups gnomAD compares: Admixed American, 0.0067%; no homozygotes.

Submissions (4):

GeneDx
Classification: Likely pathogenic. Last evaluated: 2026-09-30. Review status: criteria provided, single submitter. Criteria: GeneDx Variant Classification Process June 2021. Collection method: clinical testing. Allele origin: germline.
Comment: Nonsense variant predicted to result in protein truncation or nonsense mediated decay in a gene for which loss of function is a known mechanism of disease; Has not been previously published as pathogenic or benign to our knowledge

Labcorp Genetics (formerly Invitae), Labcorp
Classification: Pathogenic for Myopathy, proximal, and ophthalmoplegia. Last evaluated: 2025-10-08. Review status: criteria provided, single submitter. Criteria: Invitae Variant Classification Sherloc (09022015). Collection method: clinical testing. Allele origin: germline.
Comment: This sequence change creates a premature translational stop signal (p.Arg170*) in the MYH2 gene. It is expected to result in an absent or disrupted protein product. Loss-of-function variants in MYH2 are known to be pathogenic (PMID: 20418530, 23388406, 24193343). This variant is present in population databases (rs750232956, gnomAD 0.009%). This variant has not been reported in the literature in individuals affected with MYH2-related conditions. ClinVar contains an entry for this variant (Variation ID: 1457602). For these reasons, this variant has been classified as Pathogenic.

Revvity Omics, Revvity
Classification: Likely pathogenic for Myopathy, proximal, and ophthalmoplegia. Last evaluated: 2025-03-10. Review status: criteria provided, single submitter. Criteria: ACMG Guidelines, 2015. Collection method: clinical testing. Allele origin: germline.

Blueprint Genetics
Classification: Likely pathogenic for MYH2-related disorders. Last evaluated: 2024-06-24. Review status: criteria provided, single submitter. Criteria: ACMG Guidelines, 2015. Collection method: clinical testing. Allele origin: germline. Affected: yes. Observed: 3 variant alleles.

Literature cited by the submitters: PubMed 20418530 (cited by Labcorp Genetics (formerly Invitae), Labcorp); PubMed 23388406 (cited by Labcorp Genetics (formerly Invitae), Labcorp); PubMed 24193343 (cited by Labcorp Genetics (formerly Invitae), Labcorp).